The following is an entry in ClinVar:

ClinVar aggregate classification (germline): Uncertain significance. Review status: criteria provided, multiple submitters, no conflicts (2 of 4 stars). 2 submissions from 2 submitters: Uncertain significance (2). Last evaluated 2025-08-20.

Conditions:
Hyperphosphatasia with intellectual disability syndrome 5 (GPIBD11). Also called: GLYCOSYLPHOSPHATIDYLINOSITOL BIOSYNTHESIS DEFECT 11. Identifiers: Orphanet 247262, MedGen C4014958, MONDO:0014457, OMIM 616025.
Inborn genetic diseases. Identifiers: MedGen C0950123, MeSH D030342.

Allele frequency attached by ClinVar (database versions not stated): gnomAD exomes below 0.00001 and 0.00001; ExAC 0.00001; gnomAD 0.00001 and 0.00002; TOPMed 0.00002; 1000 Genomes Project 30x 0.00031; 1000 Genomes Project 0.00040.
gnomAD v4.1: 7 of 1,613,766 alleles (0.00043%); highest among the groups gnomAD compares: Admixed American, 0.0083%; no homozygotes.

Submissions (2):

Ambry Genetics
Classification: Uncertain significance for Inborn genetic diseases. Last evaluated: 2025-08-20. Review status: criteria provided, single submitter. Criteria: Ambry Variant Classification Scheme 2023. Collection method: clinical testing. Allele origin: germline.

Labcorp Genetics (formerly Invitae), Labcorp
Classification: Uncertain significance for Hyperphosphatasia with intellectual disability syndrome 5. Last evaluated: 2024-11-05. Review status: criteria provided, single submitter. Criteria: Invitae Variant Classification Sherloc (09022015). Collection method: clinical testing. Allele origin: germline.
Comment: This sequence change replaces valine, which is neutral and non-polar, with glutamic acid, which is acidic and polar, at codon 361 of the PIGW protein (p.Val361Glu). This variant is present in population databases (rs551293655, gnomAD 0.009%). This variant has not been reported in the literature in individuals affected with PIGW-related conditions. ClinVar contains an entry for this variant (Variation ID: 841593). Invitae Evidence Modeling of protein sequence and biophysical properties (such as structural, functional, and spatial information, amino acid conservation, physicochemical variation, residue mobility, and thermodynamic stability) indicates that this missense variant is not expected to disrupt PIGW protein function with a negative predictive value of 80%. In summary, the available evidence is currently insufficient to determine the role of this variant in disease. Therefore, it has been classified as a Variant of Uncertain Significance.

NM_001346754.2(PIGW):c.1082T>A (p.Val361Glu)

Genes: MYO19 (myosin XIX; minus strand), PIGW (phosphatidylinositol glycan anchor biosynthesis class W; plus strand). Cytogenetic location: 17q12.
Variant type: single nucleotide variant.
Coding change: c.1082T>A on transcript NM_001346754.2 (MANE Select); coding-DNA position 1082, T replaced by A.
Protein change: p.Val361Glu; replaces valine 361 with glutamic acid.
Molecular consequence: missense variant.
Genome position (GRCh38, 1-based): chr17:36,538,183, T>A. VCF-style: chr17-36538183-T-A. GRCh37 (hg19) VCF-style: chr17-34894032-T-A.
Other names: c.1082T>A, p.Val361Glu (NM_001346755.2, NM_178517.5); short protein forms V361E.
Identifiers: ClinVar variation 841593 (VCV000841593.11), dbSNP rs551293655, ClinGen allele CA290116579.